The following is an entry in ClinVar:

ClinVar aggregate classification (germline): Uncertain significance. Review status: criteria provided, multiple submitters, no conflicts (2 of 4 stars). 2 submissions from 2 submitters: Uncertain significance (2). Last evaluated 2025-12-16.

Conditions:
Hereditary cancer-predisposing syndrome. Also called: Neoplastic Syndromes, Hereditary; Tumor predisposition; Hereditary neoplastic syndrome; Hereditary Cancer Syndrome. Identifiers: Orphanet 140162, MedGen C0027672, MeSH D009386, MONDO:0015356.
Cardiovascular phenotype. Identifiers: MedGen CN230736.

Allele frequency attached by ClinVar (database versions not stated): gnomAD exomes 0.00001; ExAC 0.00002; gnomAD 0.00005 and 0.00006.
gnomAD v4.1: 21 of 1,613,606 alleles (0.0013%); highest among the groups gnomAD compares: African/African-American, 0.0067%; no homozygotes.

Submissions (2):

Labcorp Genetics (formerly Invitae), Labcorp
Classification: Uncertain significance. Last evaluated: 2025-12-16. Review status: criteria provided, single submitter. Criteria: Invitae Variant Classification Sherloc (09022015). Collection method: clinical testing. Allele origin: germline.
Comment: This sequence change replaces arginine, which is basic and polar, with glutamine, which is neutral and polar, at codon 810 of the LZTR1 protein (p.Arg810Gln). This variant is present in population databases (rs200195452, gnomAD 0.007%). This missense change has been observed in individual(s) with schwannomatosis (PMID: 29409008). ClinVar contains an entry for this variant (Variation ID: 1356146). Invitae Evidence Modeling of protein sequence and biophysical properties (such as structural, functional, and spatial information, amino acid conservation, physicochemical variation, residue mobility, and thermodynamic stability) indicates that this missense variant is not expected to disrupt LZTR1 protein function with a negative predictive value of 80%. In summary, the available evidence is currently insufficient to determine the role of this variant in disease. Therefore, it has been classified as a Variant of Uncertain Significance.

Ambry Genetics
Classification: Uncertain significance for Cardiovascular phenotype; Hereditary cancer-predisposing syndrome. Last evaluated: 2025-05-27. Review status: criteria provided, single submitter. Criteria: Ambry Variant Classification Scheme 2023. Collection method: clinical testing. Allele origin: germline.
Comment: The p.R810Q variant (also known as c.2429G>A), located in coding exon 21 of the LZTR1 gene, results from a G to A substitution at nucleotide position 2429. The arginine at codon 810 is replaced by glutamine, an amino acid with highly similar properties. This amino acid position is highly conserved in available vertebrate species. In addition, the in silico prediction for this alteration is inconclusive. Based on the available evidence, the clinical significance of this variant remains unclear.

Literature cited by the submitters: PubMed 29409008 (cited by Labcorp Genetics (formerly Invitae), Labcorp).

NM_006767.4(LZTR1):c.2429G>A (p.Arg810Gln)

Gene: LZTR1 (leucine zipper like post translational regulator 1; plus strand). Cytogenetic location: 22q11.21.
Variant type: single nucleotide variant.
Coding change: c.2429G>A on transcript NM_006767.4 (MANE Select); coding-DNA position 2429, G replaced by A.
Protein change: p.Arg810Gln; replaces arginine 810 with glutamine.
Molecular consequence: missense variant.
Genome position (GRCh38, 1-based): chr22:20,997,254, G>A. VCF-style: chr22-20997254-G-A. GRCh37 (hg19) VCF-style: chr22-21351543-G-A.
Other names: short protein forms R810Q.
Identifiers: ClinVar variation 1356146 (VCV001356146.9), dbSNP rs200195452, ClinGen allele CA10119460.
Genomic context (GRCh38, chr22:20,997,254, plus strand): 5'-ATCTGGTCCCATCTCCTTCCGGCCTGCTTGCCTTACAGGTCTCCAAGTTGCCCACCCTGC[G>A]GTCGCTGAGCCAGCAGCTGCTGCTGGACATCATAGACTCCCTGGCCTCCCACATCTCAGA-3'
Protein context (NP_006758.2, residues 800-820): FTKVSKLPTL[Arg810Gln]SLSQQLLLDI